The following is an entry in ClinVar:

NM_199355.4(ADAMTS18):c.406C>G (p.Gln136Glu)

Gene: ADAMTS18 (ADAM metallopeptidase with thrombospondin type 1 motif 18; minus strand). Cytogenetic location: 16q23.1.
Variant type: single nucleotide variant.
Coding change: c.406C>G on transcript NM_199355.4 (MANE Select); coding-DNA position 406, C replaced by G.
Protein change: p.Gln136Glu; replaces glutamine 136 with glutamic acid.
Molecular consequence: missense variant. On other transcripts: 5 prime UTR variant (1).
Genome position (GRCh38, 1-based): chr16:77,431,384, G>C on the plus strand (C>G on the coding strand, the complement: ADAMTS18 is on the minus strand). VCF-style: chr16-77431384-G-C. GRCh37 (hg19) VCF-style: chr16-77465281-G-C.
Other names: c.-115C>G (NM_001326358.2); short protein forms Q136E.
Identifiers: ClinVar variation 1399078 (VCV001399078.4), dbSNP rs539719441, ClinGen allele CA8181689.

ClinVar aggregate classification (germline): Uncertain significance (1 of 4 stars; one submission).

Allele frequency attached by ClinVar (database versions not stated): gnomAD 0.00001; gnomAD exomes 0.00001; ExAC 0.00002; 1000 Genomes Project 30x 0.00016; 1000 Genomes Project 0.00020.
gnomAD v4.1: 8 of 1,614,158 alleles (0.0005%); highest among the groups gnomAD compares: East Asian, 0.011%; no homozygotes.

Submission:

Labcorp Genetics (formerly Invitae), Labcorp
Classification: Uncertain significance. Last evaluated: 2022-01-15. Review status: criteria provided, single submitter. Criteria: Invitae Variant Classification Sherloc (09022015). Collection method: clinical testing. Allele origin: germline.
Comment: This sequence change replaces glutamine, which is neutral and polar, with glutamic acid, which is acidic and polar, at codon 136 of the ADAMTS18 protein (p.Gln136Glu). This variant is present in population databases (rs539719441, gnomAD 0.02%). This variant has not been reported in the literature in individuals affected with ADAMTS18-related conditions. Algorithms developed to predict the effect of missense changes on protein structure and function are either unavailable or do not agree on the potential impact of this missense change (SIFT: "Not Available"; PolyPhen-2: "Benign"; Align-GVGD: "Not Available"). In summary, the available evidence is currently insufficient to determine the role of this variant in disease. Therefore, it has been classified as a Variant of Uncertain Significance.